The following is an entry in ClinVar:

NM_004260.4(RECQL4):c.46C>A (p.Arg16Ser)

Genes: RECQL4 (RecQ like helicase 4; minus strand), LOC130001411 (ATAC-STARR-seq lymphoblastoid silent region 19699; plus strand). Cytogenetic location: 8q24.3.
Variant type: single nucleotide variant.
Coding change: c.46C>A on transcript NM_004260.4 (MANE Select); coding-DNA position 46, C replaced by A.
Protein change: p.Arg16Ser; replaces arginine 16 with serine.
Molecular consequence: missense variant.
Genome position (GRCh38, 1-based): chr8:144,517,739, G>T on the plus strand (C>A on the coding strand, the complement: RECQL4 is on the minus strand). VCF-style: chr8-144517739-G-T. GRCh37 (hg19) VCF-style: chr8-145743123-G-T.
Other names: c.46C>A, p.Arg16Ser (NM_001413017.1, NM_001413018.1, NM_001413019.1 and 6 more transcripts); c.-740C>A (NM_001413021.1); c.-1091C>A (NM_001413022.1, NM_001413023.1, NM_001413037.1 and 2 more transcripts); c.-988C>A (NM_001413024.1); c.-1088C>A (NM_001413027.1); c.-816C>A (NM_001413028.1); c.-1153C>A (NM_001413030.1, NM_001413031.1, NM_001413041.1); c.-985C>A (NM_001413032.1); and 5 more; short protein forms R16S.
Identifiers: ClinVar variation 1984443 (VCV001984443.5), dbSNP rs1166338293, ClinGen allele CA372693812.

ClinVar aggregate classification (germline): Uncertain significance. Review status: criteria provided, multiple submitters, no conflicts (2 of 4 stars). 2 submissions from 2 submitters: Uncertain significance (2). Last evaluated 2026-03-03.

Conditions:
Inborn genetic diseases. Identifiers: MedGen C0950123, MeSH D030342.
Baller-Gerold syndrome (BGS). Also called: CRANIOSYNOSTOSIS WITH RADIAL DEFECTS. Identifiers: Orphanet 1225, MedGen C0265308, MONDO:0009039, OMIM 218600.

Allele frequency attached by ClinVar (database versions not stated): TOPMed below 0.00001; gnomAD 0.00001.
gnomAD v4.1: 2 of 1,347,504 alleles (0.00015%); highest among the groups gnomAD compares: Admixed American, 0.0032%; no homozygotes.

Submissions (2):

Ambry Genetics
Classification: Uncertain significance for Inborn genetic diseases. Last evaluated: 2026-03-03. Review status: criteria provided, single submitter. Criteria: Ambry Variant Classification Scheme 2023. Collection method: clinical testing. Allele origin: germline.
Comment: The p.R16S variant (also known as c.46C>A), located in coding exon 1 of the RECQL4 gene, results from a C to A substitution at nucleotide position 46. The arginine at codon 16 is replaced by serine, an amino acid with dissimilar properties. This amino acid position is conserved. In addition, the in silico prediction for this alteration is inconclusive. Based on the available evidence, the clinical significance of this variant remains unclear.

Labcorp Genetics (formerly Invitae), Labcorp
Classification: Uncertain significance for Baller-Gerold syndrome. Last evaluated: 2022-08-03. Review status: criteria provided, single submitter. Criteria: Invitae Variant Classification Sherloc (09022015). Collection method: clinical testing. Allele origin: germline.
Comment: This sequence change replaces arginine, which is basic and polar, with serine, which is neutral and polar, at codon 16 of the RECQL4 protein (p.Arg16Ser). In summary, the available evidence is currently insufficient to determine the role of this variant in disease. Therefore, it has been classified as a Variant of Uncertain Significance. Experimental studies and prediction algorithms are not available or were not evaluated, and the functional significance of this variant is currently unknown. This variant has not been reported in the literature in individuals affected with RECQL4-related conditions. This variant is not present in population databases (gnomAD no frequency).